The following is an entry in ClinVar:

ClinVar aggregate classification (germline): Pathogenic/Likely pathogenic. Review status: criteria provided, multiple submitters, no conflicts (2 of 4 stars). 2 submissions from 2 submitters: Pathogenic (1); Likely pathogenic (1). Last evaluated 2020-04-06.

Conditions:
Autosomal recessive cerebellar ataxia-saccadic intrusion syndrome. Also called: SPINOCEREBELLAR ATAXIA 24; VPS13D Movement Disorder. Identifiers: Orphanet 95434, MedGen C1846492, MONDO:0011811, OMIM 607317.

Allele frequency attached by ClinVar (database versions not stated): TOPMed below 0.00001; ExAC 0.00001; gnomAD 0.00001; gnomAD exomes 0.00001.

Submissions (2):

Laboratoire de Génétique Moléculaire, CHU Bordeaux
Classification: Likely pathogenic for Autosomal recessive cerebellar ataxia-saccadic intrusion syndrome. Last evaluated: 2020-04-06. Review status: criteria provided, single submitter. Criteria: ACMG Guidelines, 2015. Collection method: clinical testing. Allele origin: maternal. Inheritance: Autosomal recessive inheritance. Affected: yes. Observed: 1 compound heterozygote.
Comment: The variant isa nonsense variant which was present with only 2 heterozygous in gnomAD database, found in trans with another likely pathogenic variant, and considered as pathogenic according to the ACMG guidelines.

Labcorp Genetics (formerly Invitae), Labcorp
Classification: Pathogenic. Last evaluated: 2019-04-11. Review status: criteria provided, single submitter. Criteria: Invitae Variant Classification Sherloc (09022015). Collection method: clinical testing. Allele origin: germline.
Comment: This sequence change creates a premature translational stop signal (p.Arg316*) in the VPS13D gene. It is expected to result in an absent or disrupted protein product. The frequency data for this variant in the population databases is considered unreliable, as metrics indicate poor data quality at this position in the ExAC database. This variant has not been reported in the literature in individuals with VPS13D-related conditions. Loss-of-function variants in VPS13D are known to be pathogenic (PMID: 29518281). For these reasons, this variant has been classified as Pathogenic.

Literature cited by the submitters: PubMed 29518281 (cited by Labcorp Genetics (formerly Invitae), Labcorp).

NM_015378.4(VPS13D):c.946C>T (p.Arg316Ter)

Gene: VPS13D (vacuolar protein sorting 13 homolog D; plus strand). Cytogenetic location: 1p36.22.
Variant type: single nucleotide variant.
Coding change: c.946C>T on transcript NM_015378.4 (MANE Select); coding-DNA position 946, C replaced by T.
Protein change: p.Arg316Ter; replaces arginine 316 with a stop codon.
Molecular consequence: nonsense.
Genome position (GRCh38, 1-based): chr1:12,257,939, C>T. VCF-style: chr1-12257939-C-T. GRCh37 (hg19) VCF-style: chr1-12317996-C-T.
Other names: c.946C>T, p.Arg316Ter (NM_018156.4); short protein forms R316*.
Identifiers: ClinVar variation 933227 (VCV000933227.5), dbSNP rs758368974, ClinGen allele CA601386.
Genomic context (GRCh38, chr1:12,257,939, plus strand): 5'-AGCCTTTTCGTTGCTTTTGTTGTAAGAAGTGATTACATCGTTATGGACTATTTCAGCTGC[C>T]GAGAATGGTGGTATTTTGCTTTGAATGCTAACTTGTATGAGATCAGAGAGCAGAGGAAAC-3'